The following is an entry in ClinVar:

ClinVar aggregate classification (germline): Uncertain significance (0 of 4 stars; one submission).

Allele frequency attached by ClinVar (database versions not stated): ExAC 0.00001; TOPMed 0.00001.
gnomAD v4.1: 8 of 1,614,190 alleles (0.0005%); highest among the groups gnomAD compares: Middle Eastern, 0.016%; no homozygotes.

Submission:

Genetic Services Laboratory, University of Chicago
Classification: Uncertain significance. Last evaluated: 2022-08-24. Review status: no assertion criteria provided. Collection method: clinical testing. Allele origin: germline. Affected: no.
Comment: DNA sequence analysis of the UCP3 gene demonstrated a sequence change in the canonical splice donor site of intron 2, c.126+1G>T. This sequence change does not appear to have been previously described in individuals with UCP3-related disorders. This sequence change has been described in the gnomAD database in one individual which corresponds to a population frequency of 0.0004 % (dbSNP rs762770256). This sequence change has not been previously in individuals with UCP3-related disorders. This sequence change is predicted to affect normal splicing of the UCP3 gene and may result in an abnormal protein. Due to the lack of additional studies that conclusively demonstrate the effect of this variant on protein function, and the fact that no other loss of function variants have been conclusively associated with a detrimental effect on UCP3 protein function, the clinical significance of the c.126+1G>T change remains unknown at this time.

NM_003356.4(UCP3):c.126+1G>T

Gene: UCP3 (uncoupling protein 3; minus strand). Cytogenetic location: 11q13.4.
Variant type: single nucleotide variant.
Coding change: c.126+1G>T on transcript NM_003356.4 (MANE Select); the canonical splice donor site of the intron after coding-DNA position 126, G replaced by T.
Molecular consequence: splice donor variant.
Genome position (GRCh38, 1-based): chr11:74,006,916, C>A on the plus strand (G>T on the coding strand, the complement: UCP3 is on the minus strand). VCF-style: chr11-74006916-C-A. GRCh37 (hg19) VCF-style: chr11-73717961-C-A.
Other names: c.126+1G>T (NM_022803.3).
Identifiers: ClinVar variation 2443292 (VCV002443292.2), dbSNP rs762770256, ClinGen allele CA6181645.
Genomic context (GRCh38, chr11:74,006,916, plus strand): 5'-ATGGGAGAGAACTAGCCCCTCCTTCCATGTGATCAATGACCCTTGGCCAAAGGGCACCTA[C>A]CTGCAGGCGGACCTTGGCTGTGTCCAGTGGAAAGGTAACGAGGTCAGCAAAACAGGCTGC-3'